The following is an entry in ClinVar:

ClinVar aggregate classification (germline): Uncertain significance (1 of 4 stars; one submission).

Conditions:
DOCK2 deficiency. Also called: Immunodeficiency 40. Identifiers: Orphanet 447737, MedGen C4225328, MONDO:0014637, OMIM 616433.

Allele frequency attached by ClinVar (database versions not stated): ExAC 0.00001; gnomAD exomes 0.00002; gnomAD 0.00003 and 0.00005; ESP Exome Variant Server 0.00008; TOPMed 0.00009.
gnomAD v4.1: 29 of 1,614,012 alleles (0.0018%); highest among the groups gnomAD compares: African/African-American, 0.019%; no homozygotes.

Submission:

Labcorp Genetics (formerly Invitae), Labcorp
Classification: Uncertain significance for DOCK2 deficiency. Last evaluated: 2022-08-06. Review status: criteria provided, single submitter. Criteria: Invitae Variant Classification Sherloc (09022015). Collection method: clinical testing. Allele origin: germline.
Comment: This sequence change replaces glycine, which is neutral and non-polar, with arginine, which is basic and polar, at codon 23 of the DOCK2 protein (p.Gly23Arg). This variant is present in population databases (rs376950305, gnomAD 0.02%). This variant has not been reported in the literature in individuals affected with DOCK2-related conditions. ClinVar contains an entry for this variant (Variation ID: 1044322). Algorithms developed to predict the effect of missense changes on protein structure and function output the following: SIFT: "Tolerated"; PolyPhen-2: "Benign"; Align-GVGD: "Class C0". The arginine amino acid residue is found in multiple mammalian species, which suggests that this missense change does not adversely affect protein function. In summary, the available evidence is currently insufficient to determine the role of this variant in disease. Therefore, it has been classified as a Variant of Uncertain Significance.

NM_004946.3(DOCK2):c.67G>A (p.Gly23Arg)

Gene: DOCK2 (dedicator of cytokinesis 2; plus strand). Cytogenetic location: 5q35.1.
Variant type: single nucleotide variant.
Coding change: c.67G>A on transcript NM_004946.3 (MANE Select); coding-DNA position 67, G replaced by A.
Protein change: p.Gly23Arg; replaces glycine 23 with arginine.
Molecular consequence: missense variant. On other transcripts: non-coding transcript variant (1).
Genome position (GRCh38, 1-based): chr5:169,654,426, G>A. VCF-style: chr5-169654426-G-A. GRCh37 (hg19) VCF-style: chr5-169081430-G-A.
Other names: short protein forms G23R.
Identifiers: ClinVar variation 1044322 (VCV001044322.6), dbSNP rs376950305, ClinGen allele CA3553026.